The following is an entry in ClinVar:

NM_000059.4(BRCA2):c.8732C>G (p.Ala2911Gly)

Gene: BRCA2 (BRCA2 DNA repair associated; plus strand). Cytogenetic location: 13q13.1.
Variant type: single nucleotide variant.
Coding change: c.8732C>G on transcript NM_000059.4 (MANE Select); coding-DNA position 8732, C replaced by G.
Protein change: p.Ala2911Gly; replaces alanine 2911 with glycine.
Molecular consequence: missense variant.
Genome position (GRCh38, 1-based): chr13:32,376,769, C>G. VCF-style: chr13-32376769-C-G. GRCh37 (hg19) VCF-style: chr13-32950906-C-G.
Other names: short protein forms A2911G.
Identifiers: ClinVar variation 409455 (VCV000409455.23), dbSNP rs80359130, ClinGen allele CA6941287.

ClinVar aggregate classification (germline): Conflicting classifications of pathogenicity. Review status: criteria provided, conflicting classifications (1 of 4 stars). 7 submissions from 7 submitters: Uncertain significance (6); Likely benign (1). Last evaluated 2026-01-10.

Conditions:
Hereditary breast ovarian cancer syndrome. Also called: Hereditary breast and ovarian cancer; Hereditary breast and/or ovarian cancer syndrome; BRCA1- and BRCA2-Associated Hereditary Breast and Ovarian Cancer; Hereditary breast and ovarian cancer syndrome; Hereditary breast and ovarian cancer syndrome (HBOC); Breast and ovarian cancer. Identifiers: Orphanet 145, MedGen C0677776, MeSH D061325, MONDO:0003582. Disease mechanism: loss of function.
Hereditary cancer-predisposing syndrome. Also called: Tumor predisposition; Hereditary Cancer Syndrome; Hereditary neoplastic syndrome; Neoplastic Syndromes, Hereditary. Identifiers: Orphanet 140162, MedGen C0027672, MeSH D009386, MONDO:0015356.
Familial cancer of breast. Also called: BREAST CANCER, FAMILIAL; Hereditary breast cancer; hereditary breast carcinoma. Identifiers: Orphanet 227535, MedGen C0346153, MONDO:0016419, OMIM 114480. Disease mechanism: loss of function.
BRCA2-related cancer predisposition. Identifiers: MedGen CN377758, MONDO:0700269.

Allele frequency attached by ClinVar (database versions not stated): TOPMed below 0.00001; gnomAD 0.00001; gnomAD exomes 0.00001; ExAC 0.00002; ESP Exome Variant Server 0.00008.
gnomAD v4.1: 1 of 1,614,006 alleles (0.000062%); highest among the groups gnomAD compares: Non-Finnish European, 0.000085%; no homozygotes.

Submissions (7):

Labcorp Genetics (formerly Invitae), Labcorp
Classification: Uncertain significance for Hereditary breast ovarian cancer syndrome. Last evaluated: 2026-01-10. Review status: criteria provided, single submitter. Criteria: Invitae Variant Classification Sherloc (09022015). Collection method: clinical testing. Allele origin: germline.
Comment: This sequence change replaces alanine, which is neutral and non-polar, with glycine, which is neutral and non-polar, at codon 2911 of the BRCA2 protein (p.Ala2911Gly). This variant is present in population databases (rs80359130, gnomAD 0.002%). This variant has not been reported in the literature in individuals affected with BRCA2-related conditions. ClinVar contains an entry for this variant (Variation ID: 409455). Invitae Evidence Modeling of protein sequence and biophysical properties (such as structural, functional, and spatial information, amino acid conservation, physicochemical variation, residue mobility, and thermodynamic stability) indicates that this missense variant is not expected to disrupt BRCA2 protein function with a negative predictive value of 95%. In summary, the available evidence is currently insufficient to determine the role of this variant in disease. Therefore, it has been classified as a Variant of Uncertain Significance.

Color Diagnostics, LLC DBA Color Health
Classification: Uncertain significance for Hereditary cancer-predisposing syndrome. Last evaluated: 2025-08-09. Review status: criteria provided, single submitter. Criteria: ACMG Guidelines, 2015. Collection method: clinical testing. Allele origin: germline.
Comment: This missense variant replaces alanine with glycine at codon 2911 of the BRCA2 protein. Computational prediction suggests that this variant may not impact protein structure and function. Functional studies have reported that this variant does not impact BRCA2 in a haploid cell proliferation assay and in sensitivity assays to cisplatin and PARP inihibitor (PMID: 39779848, 39779857). This variant has been detected in a breast cancer case-control meta-analysis in 0/60466 cases and 1/53461 unaffected individuals (PMID: 33471991Leiden Open Variation Database DB-ID BRCA2_008701). Multifactorial analysis has reached a combined likelihood ratio (LR) of 0.543 based on reported LR for co-occurrence with a pathogenic variant and personal and family history for 1 carrier (PMID: 31131967, 31853058). This variant has been identified in 2/251208 chromosomes in the general population by the Genome Aggregation Database (gnomAD). The available evidence is insufficient to determine the role of this variant in disease conclusively. Therefore, this variant is classified as a Variant of Uncertain Significance.

Women's Health and Genetics/Laboratory Corporation of America, LabCorp
Classification: Uncertain significance. Last evaluated: 2025-03-26. Review status: criteria provided, single submitter. Criteria: LabCorp Variant Classification Summary - May 2015. Collection method: clinical testing. Allele origin: germline.
Comment: Variant summary: BRCA2 c.8732C>G (p.Ala2911Gly) results in a non-conservative amino acid change located in the second oligonucleotide binding fold (OB2) domain (IPR048262) of the encoded protein sequence. Three of five in-silico tools predict a benign effect of the variant on protein function. The variant allele was found at a frequency of 8e-06 in 251208 control chromosomes (gnomAD V2.1). The available data on variant occurrences in the general population are insufficient to allow any conclusion about variant significance. c.8732C>G has been reported in the literature in individuals affected with cancer phenotypes (Kanchi_2014, Parry_2017), but was also found in controls (Dorling_2021). These report(s) do not provide unequivocal conclusions about association of the variant with Hereditary Breast And Ovarian Cancer Syndrome. To our knowledge, no experimental evidence demonstrating an impact on protein function has been reported. The following publications have been ascertained in the context of this evaluation (PMID: 24448499, 28843361, 33471991). ClinVar contains an entry for this variant (Variation ID: 409455). Based on the evidence outlined above, the variant was classified as uncertain significance.

Ambry Genetics
Classification: Likely benign for Hereditary cancer-predisposing syndrome. Last evaluated: 2025-03-18. Review status: criteria provided, single submitter. Criteria: Ambry Variant Classification Scheme 2023. Collection method: clinical testing. Allele origin: germline.

All of Us Research Program, National Institutes of Health
Classification: Uncertain significance for BRCA2-related cancer predisposition. Last evaluated: 2024-05-09. Review status: criteria provided, single submitter. Criteria: ACMG Guidelines, 2015. Collection method: clinical testing. Allele origin: germline. Inheritance: Autosomal dominant inheritance. Observed: 1 variant allele, 1 heterozygote.
Comment: This missense variant replaces alanine with glycine at codon 2911 of the BRCA2 protein. Computational prediction suggests that this variant may not impact protein structure and function (internally defined REVEL score threshold <= 0.5, PMID: 27666373). Splice site prediction tools suggest that this variant may not impact RNA splicing. To our knowledge, functional studies have not been performed for this variant. This variant has not been reported in individuals affected with hereditary cancer in the literature. This variant has been identified in 2/251208 chromosomes in the general population by the Genome Aggregation Database (gnomAD). The available evidence is insufficient to determine the role of this variant in disease conclusively. Therefore, this variant is classified as a Variant of Uncertain Significance.

This study involves interpretation of variants in research participants for the purpose of population health screening. Participant phenotype was not available at the time of variant classification. Additional details can be found in publication PMID: 35346344, PMCID: PMC8962531

Baylor Genetics
Classification: Uncertain significance for Familial cancer of breast. Last evaluated: 2023-08-06. Review status: criteria provided, single submitter. Criteria: ACMG Guidelines, 2015. Collection method: clinical testing. Allele origin: unknown.

Sema4
Classification: Uncertain significance for Hereditary cancer-predisposing syndrome. Last evaluated: 2022-01-16. Review status: criteria provided, single submitter. Criteria: Sema4 Curation Guidelines. Collection method: curation. Allele origin: germline.
Comment: To the best of our knowledge, the BRCA2 c.8732C>G (p.A2911G) variant has not been reported in individuals with BRCA2-related disease. It was observed in 2/113620 chromosomes of the Non-Finnish European subpopulation in the large and broad cohorts of the Genome Aggregation Database (PMID: 32461654). The variant has been reported in ClinVar (Variation ID: 409455). Functional studies have not been performed, and in silico predictions of the variant's effect on protein function are inconclusive. The evidence is insufficient to meet ACMG/AMP criteria for classifying the variant as benign or pathogenic. Thus, the clinical significance of this variant is currently uncertain.

Literature cited by the submitters: PubMed 31131967 (cited by Color Diagnostics, LLC DBA Color Health); PubMed 31853058 (cited by Color Diagnostics, LLC DBA Color Health); PubMed 33471991 (cited by Color Diagnostics, LLC DBA Color Health and Women's Health and Genetics/Laboratory Corporation of America, LabCorp); PubMed 39779848 (cited by Color Diagnostics, LLC DBA Color Health and Ambry Genetics); PubMed 39779857 (cited by Color Diagnostics, LLC DBA Color Health and Ambry Genetics); PubMed 24448499 (cited by Women's Health and Genetics/Laboratory Corporation of America, LabCorp); PubMed 28843361 (cited by Women's Health and Genetics/Laboratory Corporation of America, LabCorp).